The following is an entry in ClinVar:

ClinVar aggregate classification (germline): Uncertain significance (1 of 4 stars; one submission).

Conditions:
Inborn genetic diseases. Identifiers: MedGen C0950123, MeSH D030342.

gnomAD v4.1: 32 of 1,613,504 alleles (0.002%); highest among the groups gnomAD compares: Non-Finnish European, 0.0027%; no homozygotes.

Submission:

Ambry Genetics
Classification: Uncertain significance for Inborn genetic diseases. Last evaluated: 2023-05-04. Review status: criteria provided, single submitter. Criteria: Ambry Variant Classification Scheme 2023. Collection method: clinical testing. Allele origin: germline.
Comment: The p.V289L variant (also known as c.865G>C), located in coding exon 7 of the CDH2 gene, results from a G to C substitution at nucleotide position 865. The valine at codon 289 is replaced by leucine, an amino acid with highly similar properties. This amino acid position is conserved. In addition, the in silico prediction for this alteration is inconclusive. Since supporting evidence is limited at this time, the clinical significance of this alteration remains unclear.

NM_001792.5(CDH2):c.865G>C (p.Val289Leu)

Gene: CDH2 (cadherin 2; minus strand). Cytogenetic location: 18q12.1.
Variant type: single nucleotide variant.
Coding change: c.865G>C on transcript NM_001792.5 (MANE Select); coding-DNA position 865, G replaced by C.
Protein change: p.Val289Leu; replaces valine 289 with leucine.
Molecular consequence: missense variant.
Genome position (GRCh38, 1-based): chr18:28,003,152, C>G on the plus strand (G>C on the coding strand, the complement: CDH2 is on the minus strand). VCF-style: chr18-28003152-C-G. GRCh37 (hg19) VCF-style: chr18-25583116-C-G.
Other names: c.772G>C, p.Val258Leu (NM_001308176.2); short protein forms V258L, V289L.
Identifiers: ClinVar variation 2565602 (VCV002565602.2), dbSNP rs142589795, ClinGen allele CA297917257.